The following is an entry in ClinVar:

ClinVar aggregate classification (germline): Likely pathogenic (1 of 4 stars; one submission).

Submission:

Dasa
Classification: Likely pathogenic. Last evaluated: 2025-08-13. Review status: criteria provided, single submitter. Criteria: DASA Assertion Criteria. Collection method: clinical testing. Allele origin: germline.
Comment: NM_207111.4(RNF216):c.504_505del (p.Ile169Cysfs*16) is a frameshift variant in RNF216 predicted to alter the reading frame and introduce a premature termination codon and is predicted to result in an absent or altered protein product. Loss of function is an established disease mechanism for RNF216-associated disorders. Also, this variant is absent from population databases. Based on the currently available evidence, this variant is classified as likely pathogenic.

NM_207111.4(RNF216):c.504_505del (p.Ile169fs)

Gene: RNF216 (ring finger protein 216; minus strand). Cytogenetic location: 7p22.1.
Variant type: Deletion.
Coding change: c.504_505del on transcript NM_207111.4 (MANE Select); coding-DNA positions 504 to 505, 2 bases deleted (CA; older notation c.504_505delCA).
Protein change: p.Ile169fs; shifts the reading frame from isoleucine 169.
Molecular consequence: frameshift variant.
Genome position (GRCh38, 1-based): chr7:5,741,512-5,741,513, TG deleted on the plus strand (CA on the coding strand, the reverse complement: RNF216 is on the minus strand); deleting any 2 consecutive bases within chr7:5,741,512-5,741,514 gives the same sequence; the c. name uses the placement nearest the transcript's 3' end. VCF-style (leftmost placement, unchanged base first): chr7-5741511-ATG-A. GRCh37 (hg19) VCF-style: chr7-5781142-ATG-A.
Other names: c.333_334del, p.Ile112fs (NM_001377156.1, NM_207116.3); short protein forms I112fs, I169fs.
Identifiers: ClinVar variation 4880676 (VCV004880676.2).
Genomic context (GRCh38, chr7:5,741,511, plus strand): 5'-GTGTAAAGAAGGCTACCTTCTTCCAAGATGATGACTTTCTGCTCTGATCTGGGGTTGACA[ATG>A]TCATTTGCTGCTTGGTTATGACTCGGTCCAGGCTTGGGTTCTCTTTCTGTTTGGCCACTT-3'